The following is an entry in ClinVar:

ClinVar aggregate classification (germline): Uncertain significance. Review status: criteria provided, multiple submitters, no conflicts (2 of 4 stars). 2 submissions from 2 submitters: Uncertain significance (2). Last evaluated 2026-04-13.

Conditions:
Ehlers-Danlos syndrome, classic type, 1 (EDSCL1). Also called: EHLERS-DANLOS SYNDROME, GRAVIS TYPE; EHLERS-DANLOS SYNDROME, SEVERE CLASSIC TYPE; Ehlers-Danlos Syndrome, Classic Type, COL5A1-Related; EDS I; Ehlers-Danlos syndrome, type 1. Identifiers: MedGen C0268335, MONDO:0019567, OMIM 130000.

Submissions (2):

KardioGenetik, Herz- und Diabeteszentrum NRW
Classification: Uncertain significance for Ehlers-Danlos syndrome, classic type, 1. Last evaluated: 2026-04-13. Review status: criteria provided, single submitter. Criteria: ACMG Guidelines, 2015. Collection method: clinical testing. Allele origin: unknown. Affected: yes. Observed: 1 variant allele.
Comment: Data on the allele frequency of this variant in general population cohorts are not available according to the gnomAD database. The amino acid substitution Cys183Tyr is predicted to be damaging by the bioinformatic meta-prediction tool REVEL. In the ClinVar database, the variant is listed once as a variant of uncertain clinical significance with respect to the classical type of Ehlers–Danlos syndrome. No literature regarding this variant is currently available. Overall, the pathogenicity of the variant cannot be determined. (PM2_supporting, PP3)

Labcorp Genetics (formerly Invitae), Labcorp
Classification: Uncertain significance for Ehlers-Danlos syndrome, classic type, 1. Last evaluated: 2017-01-17. Review status: criteria provided, single submitter. Criteria: Invitae Variant Classification Sherloc (09022015). Collection method: clinical testing. Allele origin: germline.
Comment: This sequence change replaces cysteine with tyrosine at codon 183 of the COL5A1 protein (p.Cys183Tyr). The cysteine residue is highly conserved and there is a large physicochemical difference between cysteine and tyrosine. This variant is not present in population databases (ExAC no frequency) and has not been reported in the literature in individuals with a COL5A1-related disease. Algorithms developed to predict the effect of missense changes on protein structure and function do not agree on the potential impact of this missense change (SIFT: "Deleterious"; PolyPhen-2: "Probably Damaging"; Align-GVGD: "Class C0"). In summary, this variant is a novel missense change with uncertain impact on protein function. There is no indication that it causes disease, but the available evidence is currently insufficient to prove that conclusively. Therefore, it has been classified as a Variant of Uncertain Significance.

NM_000093.5(COL5A1):c.548G>A (p.Cys183Tyr)

Gene: COL5A1 (collagen type V alpha 1 chain; plus strand). Cytogenetic location: 9q34.3.
Variant type: single nucleotide variant.
Coding change: c.548G>A on transcript NM_000093.5 (MANE Select); coding-DNA position 548, G replaced by A.
Protein change: p.Cys183Tyr; replaces cysteine 183 with tyrosine.
Molecular consequence: missense variant.
Genome position (GRCh38, 1-based): chr9:134,701,227, G>A. VCF-style: chr9-134701227-G-A. GRCh37 (hg19) VCF-style: chr9-137593073-G-A.
Other names: c.548G>A, p.Cys183Tyr (NM_001278074.1); short protein forms C183Y.
Identifiers: ClinVar variation 409099 (VCV000409099.11), dbSNP rs1060502251, ClinGen allele CA16612792.